The following is an entry in ClinVar:

NM_002439.5(MSH3):c.1441G>C (p.Val481Leu)

Gene: MSH3 (mutS homolog 3; plus strand). Cytogenetic location: 5q14.1.
Variant type: single nucleotide variant.
Coding change: c.1441G>C on transcript NM_002439.5 (MANE Select); coding-DNA position 1441, G replaced by C.
Protein change: p.Val481Leu; replaces valine 481 with leucine.
Molecular consequence: missense variant.
Genome position (GRCh38, 1-based): chr5:80,725,553, G>C. VCF-style: chr5-80725553-G-C. GRCh37 (hg19) VCF-style: chr5-80021372-G-C.
Other names: short protein forms V481L.
Identifiers: ClinVar variation 4886730 (VCV004886730.2).

ClinVar aggregate classification (germline): Uncertain significance (1 of 4 stars; one submission).

Submission:

Dasa
Classification: Uncertain significance. Last evaluated: 2026-04-02. Review status: criteria provided, single submitter. Criteria: DASA Assertion Criteria. Collection method: clinical testing. Allele origin: germline.
Comment: NM_002439.5(MSH3):c.1441G>C (p.Val481Leu) is a missense variant that results in the substitution of valine with leucine. This variant is absent from population databases. Computational prediction algorithms are consistent with a benign effect. The currently available literature and clinical evidence are not sufficient to establish a definitive association between this variant and the reported condition. Therefore, this variant is classified as a variant of uncertain significance.